The following is an entry in ClinVar:

NM_000368.5(TSC1):c.2156T>C (p.Leu719Pro)

Gene: TSC1 (TSC complex subunit 1; minus strand). Cytogenetic location: 9q34.13.
Variant type: single nucleotide variant.
Coding change: c.2156T>C on transcript NM_000368.5 (MANE Select); coding-DNA position 2156, T replaced by C.
Protein change: p.Leu719Pro; replaces leucine 719 with proline.
Molecular consequence: missense variant.
Genome position (GRCh38, 1-based): chr9:132,903,703, A>G on the plus strand (T>C on the coding strand, the complement: TSC1 is on the minus strand). VCF-style: chr9-132903703-A-G. GRCh37 (hg19) VCF-style: chr9-135779090-A-G.
Other names: c.2153T>C, p.Leu718Pro (NM_001162426.2); c.2003T>C, p.Leu668Pro (NM_001162427.2); c.1793T>C, p.Leu598Pro (NM_001362177.2); short protein forms L718P, L598P, L668P, L719P.
Identifiers: ClinVar variation 1376291 (VCV001376291.8), dbSNP rs2131761805, ClinGen allele CA375360836.

ClinVar aggregate classification (germline): Uncertain significance (1 of 4 stars; one submission).

Conditions:
Tuberous sclerosis 1 (TSC1). Identifiers: Orphanet 805, MedGen C1854465, MONDO:0008612, OMIM 191100.

Submission:

Labcorp Genetics (formerly Invitae), Labcorp
Classification: Uncertain significance for Tuberous sclerosis 1. Last evaluated: 2024-05-29. Review status: criteria provided, single submitter. Criteria: Invitae Variant Classification Sherloc (09022015). Collection method: clinical testing. Allele origin: germline.
Comment: This sequence change replaces leucine, which is neutral and non-polar, with proline, which is neutral and non-polar, at codon 719 of the TSC1 protein (p.Leu719Pro). This variant is not present in population databases (gnomAD no frequency). This variant has not been reported in the literature in individuals affected with TSC1-related conditions. ClinVar contains an entry for this variant (Variation ID: 1376291). Advanced modeling of protein sequence and biophysical properties (such as structural, functional, and spatial information, amino acid conservation, physicochemical variation, residue mobility, and thermodynamic stability) has been performed at Invitae for this missense variant, however the output from this modeling did not meet the statistical confidence thresholds required to predict the impact of this variant on TSC1 protein function. In summary, the available evidence is currently insufficient to determine the role of this variant in disease. Therefore, it has been classified as a Variant of Uncertain Significance.